The following is an entry in ClinVar:

ClinVar aggregate classification (germline): Uncertain significance (1 of 4 stars; one submission).

Conditions:
Hereditary cancer-predisposing syndrome. Also called: Neoplastic Syndromes, Hereditary; Tumor predisposition; Hereditary Cancer Syndrome; Hereditary neoplastic syndrome. Identifiers: Orphanet 140162, MedGen C0027672, MeSH D009386, MONDO:0015356.
Cardiovascular phenotype. Identifiers: MedGen CN230736.

Submission:

Ambry Genetics
Classification: Uncertain significance for Cardiovascular phenotype; Hereditary cancer-predisposing syndrome. Last evaluated: 2025-04-21. Review status: criteria provided, single submitter. Criteria: Ambry Variant Classification Scheme 2023. Collection method: clinical testing. Allele origin: germline.
Comment: The p.H1348P variant (also known as c.4043A>C), located in coding exon 30 of the NF1 gene, results from an A to C substitution at nucleotide position 4043. The histidine at codon 1348 is replaced by proline, an amino acid with similar properties. This amino acid position is not well conserved in available vertebrate species. In addition, the in silico prediction for this alteration is inconclusive. Based on the available evidence, the clinical significance of this variant remains unclear.

NM_001042492.3(NF1):c.4043A>C (p.His1348Pro)

Gene: NF1 (neurofibromin 1; plus strand). Cytogenetic location: 17q11.2.
Variant type: single nucleotide variant.
Coding change: c.4043A>C on transcript NM_001042492.3 (MANE Select); coding-DNA position 4043, A replaced by C.
Protein change: p.His1348Pro; replaces histidine 1348 with proline.
Molecular consequence: missense variant.
Genome position (GRCh38, 1-based): chr17:31,249,052, A>C. VCF-style: chr17-31249052-A-C. GRCh37 (hg19) VCF-style: chr17-29576070-A-C.
Other names: c.4043A>C, p.His1348Pro (NM_000267.4); short protein forms H1348P.
Identifiers: ClinVar variation 1737299 (VCV001737299.3), dbSNP rs786201844, ClinGen allele CA398994960.